The following is an entry in ClinVar:

NM_000358.3(TGFBI):c.1486C>G (p.Arg496Gly)

Gene: TGFBI (transforming growth factor beta induced; plus strand). Cytogenetic location: 5q31.1.
Variant type: single nucleotide variant.
Coding change: c.1486C>G on transcript NM_000358.3 (MANE Select); coding-DNA position 1486, C replaced by G.
Protein change: p.Arg496Gly; replaces arginine 496 with glycine.
Molecular consequence: missense variant.
Genome position (GRCh38, 1-based): chr5:136,055,755, C>G. VCF-style: chr5-136055755-C-G. GRCh37 (hg19) VCF-style: chr5-135391444-C-G.
Other names: short protein forms R496G.
Identifiers: ClinVar variation 787044 (VCV000787044.11), dbSNP rs10057190, ClinGen allele CA3420418.

ClinVar aggregate classification (germline): Benign/Likely benign. Review status: criteria provided, multiple submitters, no conflicts (2 of 4 stars). 3 submissions from 3 submitters: Benign (1); Likely benign (2). Last evaluated 2025-10-27.

Conditions:
Corneal dystrophy. Identifiers: Orphanet 34533, MedGen C0010036, MONDO:0018102, HP:0001131.

Allele frequency attached by ClinVar (database versions not stated): 1000 Genomes Project 0.00499; ESP Exome Variant Server 0.00537; gnomAD 0.00561; 1000 Genomes Project 30x 0.00562; TOPMed 0.00620.
gnomAD v4.1: 1,754 of 1,612,746 alleles (0.11%); highest among the groups gnomAD compares: African/African-American, 2%; 12 homozygotes.

Submissions (3):

Labcorp Genetics (formerly Invitae), Labcorp
Classification: Benign. Last evaluated: 2025-10-27. Review status: criteria provided, single submitter. Criteria: Invitae Variant Classification Sherloc (09022015). Collection method: clinical testing. Allele origin: germline.

Illumina Laboratory Services, Illumina
Classification: Likely benign for Corneal dystrophy. Last evaluated: 2017-04-27. Review status: criteria provided, single submitter. Criteria: ICSL Variant Classification Criteria 13 December 2019. Collection method: clinical testing. Allele origin: germline.
Comment: This variant was observed as part of a predisposition screen in an ostensibly healthy population. A literature search was performed for the gene, cDNA change, and amino acid change (where applicable). No publications were found based on this search. Allele frequency data from public databases allowed determination this variant is unlikely to cause disease. Therefore, this variant is classified as likely benign.

Breakthrough Genomics
Classification: Likely benign. Review status: criteria provided, single submitter. Criteria: ACMG Guidelines, 2015. Collection method: not provided. Allele origin: germline. Inheritance: Autosomal dominant inheritance. Affected: yes.